The following is an entry in ClinVar:

NM_003924.4(PHOX2B):c.629C>A (p.Ala210Glu)

Gene: PHOX2B (paired like homeobox 2B; minus strand). Cytogenetic location: 4p13.
Variant type: single nucleotide variant.
Coding change: c.629C>A on transcript NM_003924.4 (MANE Select); coding-DNA position 629, C replaced by A.
Protein change: p.Ala210Glu; replaces alanine 210 with glutamic acid.
Molecular consequence: missense variant.
Genome position (GRCh38, 1-based): chr4:41,746,123, G>T on the plus strand (C>A on the coding strand, the complement: PHOX2B is on the minus strand). VCF-style: chr4-41746123-G-T. GRCh37 (hg19) VCF-style: chr4-41748140-G-T.
Other names: c.629C>A (NM_003924.3); short protein forms A210E.
Identifiers: ClinVar variation 1429040 (VCV001429040.7), dbSNP rs1442934701, ClinGen allele CA356737622.

ClinVar aggregate classification (germline): Uncertain significance. Review status: criteria provided, multiple submitters, no conflicts (2 of 4 stars). 2 submissions from 2 submitters: Uncertain significance (2). Last evaluated 2025-02-01.

Conditions:
Haddad syndrome (OHD). Also called: Ondine-Hirschsprung disease. Identifiers: Orphanet 99803, MedGen C1859049, MONDO:0020493.
Hereditary cancer-predisposing syndrome. Also called: Tumor predisposition; Hereditary neoplastic syndrome; Neoplastic Syndromes, Hereditary; Hereditary Cancer Syndrome. Identifiers: Orphanet 140162, MedGen C0027672, MeSH D009386, MONDO:0015356.

Allele frequency attached by ClinVar (database versions not stated): TOPMed below 0.00001.

Submissions (2):

Ambry Genetics
Classification: Uncertain significance for Hereditary cancer-predisposing syndrome. Last evaluated: 2025-02-01. Review status: criteria provided, single submitter. Criteria: Ambry Variant Classification Scheme 2023. Collection method: clinical testing. Allele origin: germline.
Comment: The p.A210E variant (also known as c.629C>A), located in coding exon 3 of the PHOX2B gene, results from a C to A substitution at nucleotide position 629. The alanine at codon 210 is replaced by glutamic acid, an amino acid with dissimilar properties. This amino acid position is conserved. In addition, the in silico prediction for this alteration is inconclusive. Based on the available evidence, the clinical significance of this variant remains unclear.

Labcorp Genetics (formerly Invitae), Labcorp
Classification: Uncertain significance for Haddad syndrome. Last evaluated: 2021-08-01. Review status: criteria provided, single submitter. Criteria: Invitae Variant Classification Sherloc (09022015). Collection method: clinical testing. Allele origin: germline.
Comment: In summary, the available evidence is currently insufficient to determine the role of this variant in disease. Therefore, it has been classified as a Variant of Uncertain Significance. Algorithms developed to predict the effect of missense changes on protein structure and function are either unavailable or do not agree on the potential impact of this missense change (SIFT: "Deleterious"; PolyPhen-2: "Not Available"; Align-GVGD: "Class C0"). This variant has not been reported in the literature in individuals affected with PHOX2B-related conditions. This variant is not present in population databases (ExAC no frequency). This sequence change replaces alanine with glutamic acid at codon 210 of the PHOX2B protein (p.Ala210Glu). The alanine residue is moderately conserved and there is a moderate physicochemical difference between alanine and glutamic acid.